The following is an entry in ClinVar:

NM_017777.4(MKS1):c.1055C>T (p.Ser352Leu)

Gene: MKS1 (MKS transition zone complex subunit 1; minus strand). Cytogenetic location: 17q22.
Variant type: single nucleotide variant.
Coding change: c.1055C>T on transcript NM_017777.4 (MANE Select); coding-DNA position 1055, C replaced by T.
Protein change: p.Ser352Leu; replaces serine 352 with leucine.
Molecular consequence: missense variant.
Genome position (GRCh38, 1-based): chr17:58,208,553, G>A on the plus strand (C>T on the coding strand, the complement: MKS1 is on the minus strand). VCF-style: chr17-58208553-G-A. GRCh37 (hg19) VCF-style: chr17-56285914-G-A.
Other names: c.446C>T, p.Ser149Leu (NM_001321268.2); c.1055C>T, p.Ser352Leu (NM_001321269.2, NM_001330397.2); short protein forms S352L, S149L.
Identifiers: ClinVar variation 452238 (VCV000452238.5), dbSNP rs1293609717, ClinGen allele CA400325858.

ClinVar aggregate classification (germline): Uncertain significance. Review status: criteria provided, multiple submitters, no conflicts (2 of 4 stars). 3 submissions from 3 submitters: Uncertain significance (2). 1 of the submissions does not count toward it. Last evaluated 2022-10-24.

Conditions:
Meckel-Gruber syndrome. Also called: DYSENCEPHALIA SPLANCHNOCYSTICA; GRUBER SYNDROME; Dysencephalia splachnocystica. Identifiers: Orphanet 564, MedGen C0265215, MONDO:0018921.
Joubert syndrome. Also called: CEREBELLOPARENCHYMAL DISORDER IV; JOUBERT-BOLTSHAUSER SYNDROME; Familial aplasia of the vermis. Identifiers: Orphanet 475, MedGen C5979921, MONDO:0018772.
Meckel syndrome, type 1 (MKS1). Also called: MECKEL-GRUBER SYNDROME, TYPE 1. Identifiers: Orphanet 564, MedGen C3714506, MONDO:0009571, OMIM 249000.

Allele frequency attached by ClinVar (database versions not stated): gnomAD exomes below 0.00001; gnomAD 0.00001; TOPMed 0.00002.
gnomAD v4.1: 4 of 1,614,040 alleles (0.00025%); highest among the groups gnomAD compares: Admixed American, 0.0033%; no homozygotes.

Submissions (3):

Labcorp Genetics (formerly Invitae), Labcorp
Classification: Uncertain significance for Joubert syndrome; Meckel-Gruber syndrome. Last evaluated: 2022-10-24. Review status: criteria provided, single submitter. Criteria: Invitae Variant Classification Sherloc (09022015). Collection method: clinical testing. Allele origin: germline.
Comment: This sequence change replaces serine, which is neutral and polar, with leucine, which is neutral and non-polar, at codon 352 of the MKS1 protein (p.Ser352Leu). This variant is present in population databases (no rsID available, gnomAD 0.0009%). This variant has not been reported in the literature in individuals affected with MKS1-related conditions. ClinVar contains an entry for this variant (Variation ID: 452238). Advanced modeling of protein sequence and biophysical properties (such as structural, functional, and spatial information, amino acid conservation, physicochemical variation, residue mobility, and thermodynamic stability) performed at Invitae indicates that this missense variant is expected to disrupt MKS1 protein function. In summary, the available evidence is currently insufficient to determine the role of this variant in disease. Therefore, it has been classified as a Variant of Uncertain Significance.

GeneDx
Classification: Uncertain significance. Last evaluated: 2017-09-26. Review status: criteria provided, single submitter. Criteria: GeneDx Variant Classification (06012015). Collection method: clinical testing. Allele origin: germline. Affected: yes.
Comment: The S325L variant has not been published as a pathogenic variant, nor has it been reported as a benign variant to our knowledge. It is not observed at a significant frequency in large population cohorts (Lek et al., 2016). The S325L variant is a non-conservative amino acid substitution that occurs at a position that is conserved across species. In silico analysis predicts this variant is probably damaging to the protein structure/function. Therefore, based on the currently available information, it is unclear whether this variant is a pathogenic variant or a rare benign variant.

Natera, Inc.
Classification: Uncertain significance for Meckel syndrome type 1. Last evaluated: 2020-08-14. Review status: no assertion criteria provided. Collection method: clinical testing. Allele origin: germline. Not counted in ClinVar's aggregate classification.